The following is an entry in ClinVar:

ClinVar aggregate classification (germline): Likely benign (1 of 4 stars; one submission).

Allele frequency attached by ClinVar (database versions not stated): 1000 Genomes Project 30x 0.00031; ESP Exome Variant Server 0.00032; ExAC 0.00036; 1000 Genomes Project 0.00040; gnomAD 0.00042; TOPMed 0.00045.
gnomAD v4.1: 744 of 1,554,350 alleles (0.048%); highest among the groups gnomAD compares: Middle Eastern, 0.25%; no homozygotes.

Submission:

CeGaT Center for Human Genetics Tuebingen
Classification: Likely benign. Last evaluated: 2022-09-01. Review status: criteria provided, single submitter. Criteria: CeGaT Center For Human Genetics Tuebingen Variant Classification Criteria Version 2. Collection method: clinical testing. Allele origin: germline. Affected: yes. Observed: 1 variant allele.
Comment: UNC13A: BP4, BP7

NM_001080421.3(UNC13A):c.861G>T (p.Leu287=)

Gene: UNC13A (unc-13 homolog A; minus strand). Cytogenetic location: 19p13.11.
Variant type: single nucleotide variant.
Coding change: c.861G>T on transcript NM_001080421.3 (MANE Select); coding-DNA position 861, G replaced by T.
Protein change: p.Leu287=; no amino-acid change (leucine 287 retained).
Molecular consequence: synonymous variant.
Genome position (GRCh38, 1-based): chr19:17,656,305, C>A on the plus strand (G>T on the coding strand, the complement: UNC13A is on the minus strand). VCF-style: chr19-17656305-C-A. GRCh37 (hg19) VCF-style: chr19-17767114-C-A.
Other names: c.861G>T, p.Leu287= (NM_001387021.1, NM_001387022.1, NM_001387023.1).
Identifiers: ClinVar variation 2649551 (VCV002649551.24), dbSNP rs150006719, ClinGen allele CA9298645.